The following is an entry in ClinVar:

NM_001430.5(EPAS1):c.560C>T (p.Ser187Leu)

Genes: EPAS1 (endothelial PAS domain protein 1; plus strand), LOC126806210 (BRD4-independent group 4 enhancer GRCh37_chr2:46587586-46588785; plus strand). Cytogenetic location: 2p21.
Variant type: single nucleotide variant.
Coding change: c.560C>T on transcript NM_001430.5 (MANE Select); coding-DNA position 560, C replaced by T.
Protein change: p.Ser187Leu; replaces serine 187 with leucine.
Molecular consequence: missense variant.
Genome position (GRCh38, 1-based): chr2:46,360,743, C>T. VCF-style: chr2-46360743-C-T. GRCh37 (hg19) VCF-style: chr2-46587882-C-T.
Other names: short protein forms S187L.
Identifiers: ClinVar variation 3221661 (VCV003221661.1), dbSNP rs2103636252, ClinGen allele CA346699463.

ClinVar aggregate classification (germline): Uncertain significance (1 of 4 stars; one submission).

Conditions:
Inborn genetic diseases. Identifiers: MedGen C0950123, MeSH D030342.

Allele frequency attached by ClinVar (database versions not stated): gnomAD exomes below 0.00001.
gnomAD v4.1: 1 of 1,614,068 alleles (0.000062%); highest among the groups gnomAD compares: East Asian, 0.0022%; no homozygotes.

Submission:

Ambry Genetics
Classification: Uncertain significance for Inborn genetic diseases. Last evaluated: 2023-12-21. Review status: criteria provided, single submitter. Criteria: Ambry Variant Classification Scheme 2023. Collection method: clinical testing. Allele origin: germline.
Comment: The p.S187L variant (also known as c.560C>T), located in coding exon 5 of the EPAS1 gene, results from a C to T substitution at nucleotide position 560. The serine at codon 187 is replaced by leucine, an amino acid with dissimilar properties. This amino acid position is conserved. In addition, this alteration is predicted to be deleterious by in silico analysis. Since supporting evidence is limited at this time, the clinical significance of this alteration remains unclear.